The following is an entry in ClinVar:

ClinVar aggregate classification (germline): Likely benign (3 of 4 stars; one submission).

Conditions:
Malignant hyperthermia, susceptibility to, 1 (MHS1). Also called: RYR1-Related Malignant Hyperthermia Susceptibility; Anesthesia related hyperthermia; Malignant hyperpyrexia; Fulminating hyperpyrexia; Pharmacogenic myopathy; Malignant hyperthermia suceptibility 1. Identifiers: Orphanet 423, MedGen C2930980, MONDO:0007783, OMIM 145600.

Allele frequency attached by ClinVar (database versions not stated): TOPMed below 0.00001.
gnomAD v4.1: 4 of 1,613,924 alleles (0.00025%); highest among the groups gnomAD compares: Non-Finnish European, 0.00034%; no homozygotes.

Submission:

ClinGen Malignant Hyperthermia Susceptibility Variant Curation Expert Panel, ClinGen
Classification: Likely benign for Malignant hyperthermia, susceptibility to, 1. Last evaluated: 2021-03-18. Review status: reviewed by expert panel. Criteria: ClinGen MHS ACMG Specifications V1. Collection method: curation. Allele origin: germline. Inheritance: Autosomal dominant inheritance. Study: ClinGen.
Comment: This pathogenicity assessment is relevant only for malignant hyperthermia susceptibility (MHS) inherited in an autosomal dominant pattern. Variants in RYR1 can also cause other myopathies inherited in an autosomal dominant pattern or in an autosomal recessive pattern. Some of these disorders may predispose individuals to malignant hyperthermia. RYR1 variants may also contribute to a malignant hyperthermia reaction in combination with other genetic and non-genetic factors and the clinician needs to consider such factors in making management decisions. This sequence variant predicts a substitution of glycine with arginine at codon 4104 of the RYR1 protein, p.(Gly4104Arg). This variant was not present in a large population database (gnomAD). This variant has been reported in an individual who had a personal or family history of a malignant hyperthermia reaction, however, the caffeine halothane contracture test (CHCT) results for this individual were positive for halothane but not caffeine, PS4 was not implemented (PMID:21455645). This individual had a relative with a negative CHCT test that shared the variant, BS2_Moderate (PMID:21455645). No functional studies were identified for this variant. This variant does not reside in a hotspot for pathogenic variants that contribute to MHS (PMID: 21118704). A REVEL score <0.5 supports a benign status, BP4. This variant has been classified as Likely Benign. Criteria implemented: BS2_Moderate, BP4.

NM_000540.3(RYR1):c.12310G>C (p.Gly4104Arg)

Gene: RYR1 (ryanodine receptor 1; plus strand). Cytogenetic location: 19q13.2.
Variant type: single nucleotide variant.
Coding change: c.12310G>C on transcript NM_000540.3 (MANE Select); coding-DNA position 12310, G replaced by C.
Protein change: p.Gly4104Arg; replaces glycine 4104 with arginine.
Molecular consequence: missense variant.
Genome position (GRCh38, 1-based): chr19:38,561,140, G>C. VCF-style: chr19-38561140-G-C. GRCh37 (hg19) VCF-style: chr19-39051780-G-C.
Other names: NM_000540.2(RYR1):c.12310G>C; p.Gly4104Arg; c.12295G>C, p.Gly4099Arg (NM_001042723.2); short protein forms G4099R, G4104R.
Identifiers: ClinVar variation 1214006 (VCV001214006.1), dbSNP rs769120898, ClinGen allele CA405667995.